The following is an entry in ClinVar:

ClinVar aggregate classification (germline): Uncertain significance (1 of 4 stars; one submission).

Conditions:
Spastic paraplegia. Identifiers: MedGen C0037772, HP:0001258.

Submission:

Labcorp Genetics (formerly Invitae), Labcorp
Classification: Uncertain significance for Spastic paraplegia. Last evaluated: 2025-08-31. Review status: criteria provided, single submitter. Criteria: Invitae Variant Classification Sherloc (09022015). Collection method: clinical testing. Allele origin: germline.
Comment: This sequence change replaces serine, which is neutral and polar, with arginine, which is basic and polar, at codon 129 of the ZFYVE27 protein (p.Ser129Arg). This variant is present in population databases (rs151322372, gnomAD 0.007%). This variant has not been reported in the literature in individuals affected with ZFYVE27-related conditions. An algorithm developed to predict the effect of missense changes on protein structure and function (PolyPhen-2) suggests that this variant is likely to be disruptive. In summary, the available evidence is currently insufficient to determine the role of this variant in disease. Therefore, it has been classified as a Variant of Uncertain Significance.

NM_001385875.1(ZFYVE27):c.387C>G (p.Ser129Arg)

Gene: ZFYVE27 (zinc finger FYVE-type containing 27; plus strand). Cytogenetic location: 10q24.2.
Variant type: single nucleotide variant.
Coding change: c.387C>G on transcript NM_001385875.1 (MANE Select); coding-DNA position 387, C replaced by G.
Protein change: p.Ser129Arg; replaces serine 129 with arginine.
Molecular consequence: missense variant. On other transcripts: non-coding transcript variant (15), intron variant (9).
Genome position (GRCh38, 1-based): chr10:97,744,847, C>G. VCF-style: chr10-97744847-C-G. GRCh37 (hg19) VCF-style: chr10-99504604-C-G.
Other names: c.387C>G, p.Ser129Arg (NM_001002261.4, NM_001002262.4, NM_001385871.1 and 10 more transcripts); c.291C>G, p.Ser97Arg (NM_001174119.2, NM_001385885.1, NM_001385887.1 and 1 more transcripts); c.93C>G, p.Ser31Arg (NM_001174121.2, NM_001385915.1); c.426C>G, p.Ser142Arg (NM_001385876.1); c.351C>G, p.Ser117Arg (NM_001385881.1); c.183C>G, p.Ser61Arg (NM_001385890.1, NM_001385891.1, NM_001385892.1 and 6 more transcripts); c.150C>G, p.Ser50Arg (NM_001385899.1, NM_001385900.1, NM_001385903.1 and 3 more transcripts); c.198-3422C>G (NM_001385902.1, NM_001385908.1, NM_001385901.1 and 3 more transcripts); and 2 more; short protein forms S129R, S50R, S97R, S117R, S142R, S31R, S61R.
Identifiers: ClinVar variation 4707246 (VCV004707246.1).